The following is an entry in ClinVar:

ClinVar aggregate classification (germline): Uncertain significance. Review status: criteria provided, multiple submitters, no conflicts (2 of 4 stars). 2 submissions from 2 submitters: Uncertain significance (2). Last evaluated 2024-11-22.

Conditions:
Progressive myoclonic epilepsy type 7. Identifiers: Orphanet 435438, MedGen C4015420, MONDO:0014521, OMIM 616187.

Submissions (2):

GeneDx
Classification: Uncertain significance. Last evaluated: 2024-11-22. Review status: criteria provided, single submitter. Criteria: GeneDx Variant Classification Process June 2021. Collection method: clinical testing. Allele origin: germline. Affected: yes.
Comment: Not observed at significant frequency in large population cohorts (gnomAD); In silico analysis supports that this missense variant has a deleterious effect on protein structure/function; Has not been previously published as pathogenic or benign to our knowledge

Labcorp Genetics (formerly Invitae), Labcorp
Classification: Uncertain significance for Progressive myoclonic epilepsy type 7. Last evaluated: 2019-04-18. Review status: criteria provided, single submitter. Criteria: Invitae Variant Classification Sherloc (09022015). Collection method: clinical testing. Allele origin: germline.
Comment: This sequence change replaces glutamic acid with lysine at codon 259 of the KCNC1 protein (p.Glu259Lys). The glutamic acid residue is highly conserved and there is a small physicochemical difference between glutamic acid and lysine. This variant is not present in population databases (ExAC no frequency). This variant has not been reported in the literature in individuals with KCNC1-related conditions. Algorithms developed to predict the effect of missense changes on protein structure and function (SIFT, PolyPhen-2, Align-GVGD) all suggest that this variant is likely to be disruptive, but these predictions have not been confirmed by published functional studies and their clinical significance is uncertain. In summary, the available evidence is currently insufficient to determine the role of this variant in disease. Therefore, it has been classified as a Variant of Uncertain Significance.

NM_001112741.2(KCNC1):c.775G>A (p.Glu259Lys)

Gene: KCNC1 (potassium voltage-gated channel subfamily C member 1; plus strand). Cytogenetic location: 11p15.1.
Variant type: single nucleotide variant.
Coding change: c.775G>A on transcript NM_001112741.2 (MANE Select); coding-DNA position 775, G replaced by A.
Protein change: p.Glu259Lys; replaces glutamic acid 259 with lysine.
Molecular consequence: missense variant.
Genome position (GRCh38, 1-based): chr11:17,771,869, G>A. VCF-style: chr11-17771869-G-A. GRCh37 (hg19) VCF-style: chr11-17793416-G-A.
Other names: c.775G>A, p.Glu259Lys (NM_004976.4); short protein forms E259K.
Identifiers: ClinVar variation 944058 (VCV000944058.11), dbSNP rs1849234046, ClinGen allele CA379806305.